The following is an entry in ClinVar:

ClinVar aggregate classification (germline): Pathogenic/Likely pathogenic. Review status: criteria provided, multiple submitters, no conflicts (2 of 4 stars). 2 submissions from 2 submitters: Pathogenic (1); Likely pathogenic (1). Last evaluated 2025-08-11.

Conditions:
Primary ciliary dyskinesia. Also called: Ciliary dyskinesia. Identifiers: Orphanet 244, MedGen C0008780, MONDO:0016575, HP:0012265.

Allele frequency attached by ClinVar (database versions not stated): TOPMed 0.00001.

Submissions (2):

Natera, Inc.
Classification: Likely pathogenic for Primary ciliary dyskinesia. Last evaluated: 2025-08-11. Review status: criteria provided, single submitter. Criteria: Natera Variant Classification Schema (03/2026). Collection method: clinical testing. Allele origin: germline.
Comment: The c.12409C>T variant in DNAH5 is a nonsense variant predicted to introduce a stop codon at amino acid 4137. This variant is expected to result in nonsense mediated decay, truncation, or a dysfunctional protein product. This variant is rare in the general population with a frequency below the threshold expected for the associated phenotype(s). Given the available evidence, this variant is classified as Likely Pathogenic.

Labcorp Genetics (formerly Invitae), Labcorp
Classification: Pathogenic for Primary ciliary dyskinesia. Last evaluated: 2022-09-13. Review status: criteria provided, single submitter. Criteria: Invitae Variant Classification Sherloc (09022015). Collection method: clinical testing. Allele origin: germline.
Comment: This sequence change creates a premature translational stop signal (p.Gln4137*) in the DNAH5 gene. It is expected to result in an absent or disrupted protein product. Loss-of-function variants in DNAH5 are known to be pathogenic (PMID: 11788826, 16627867). For these reasons, this variant has been classified as Pathogenic. This variant has not been reported in the literature in individuals affected with DNAH5-related conditions. This variant is not present in population databases (gnomAD no frequency).

Literature cited by the submitters: PubMed 11788826 (cited by Labcorp Genetics (formerly Invitae), Labcorp); PubMed 16627867 (cited by Labcorp Genetics (formerly Invitae), Labcorp).

NM_001369.3(DNAH5):c.12409C>T (p.Gln4137Ter)

Gene: DNAH5 (dynein axonemal heavy chain 5; minus strand). Cytogenetic location: 5p15.2.
Variant type: single nucleotide variant.
Coding change: c.12409C>T on transcript NM_001369.3 (MANE Select); coding-DNA position 12409, C replaced by T.
Protein change: p.Gln4137Ter; replaces glutamine 4137 with a stop codon.
Molecular consequence: nonsense.
Genome position (GRCh38, 1-based): chr5:13,718,972, G>A on the plus strand (C>T on the coding strand, the complement: DNAH5 is on the minus strand). VCF-style: chr5-13718972-G-A. GRCh37 (hg19) VCF-style: chr5-13719081-G-A.
Other names: c.12409C>T (NM_001369.2); short protein forms Q4137*.
Identifiers: ClinVar variation 1910494 (VCV001910494.6), dbSNP rs192894455, ClinGen allele CA359210248.
Genomic context (GRCh38, chr5:13,718,972, plus strand): 5'-GTCCTTGTGGAGGATCGTTGGCAAATTTAATGGACATCTGAAGGAGTGTAATGGGAAACT[G>A]CTTATGAGCCTCGGTGGTCATCCAGAGGCGGAACGCATCATGTACAAGCTCAGTTTCTAT-3'